The following is an entry in ClinVar:

NM_138295.5(PKD1L1):c.8429T>G (p.Leu2810Arg)

Gene: PKD1L1 (polycystin 1 like 1, transient receptor potential channel interacting; minus strand). Cytogenetic location: 7p12.3.
Variant type: single nucleotide variant.
Coding change: c.8429T>G on transcript NM_138295.5 (MANE Select); coding-DNA position 8429, T replaced by G.
Protein change: p.Leu2810Arg; replaces leucine 2810 with arginine.
Molecular consequence: missense variant.
Genome position (GRCh38, 1-based): chr7:47,792,724, A>C on the plus strand (T>G on the coding strand, the complement: PKD1L1 is on the minus strand). VCF-style: chr7-47792724-A-C. GRCh37 (hg19) VCF-style: chr7-47832322-A-C.
Other names: short protein forms L2810R.
Identifiers: ClinVar variation 2088341 (VCV002088341.4), dbSNP rs2483788033, ClinGen allele CA367461292.

ClinVar aggregate classification (germline): Uncertain significance (1 of 4 stars; one submission).

Submission:

Labcorp Genetics (formerly Invitae), Labcorp
Classification: Uncertain significance. Last evaluated: 2024-04-29. Review status: criteria provided, single submitter. Criteria: Invitae Variant Classification Sherloc (09022015). Collection method: clinical testing. Allele origin: germline.
Comment: This sequence change replaces leucine, which is neutral and non-polar, with arginine, which is basic and polar, at codon 2810 of the PKD1L1 protein (p.Leu2810Arg). This variant is not present in population databases (gnomAD no frequency). This variant has not been reported in the literature in individuals affected with PKD1L1-related conditions. ClinVar contains an entry for this variant (Variation ID: 2088341). An algorithm developed to predict the effect of missense changes on protein structure and function (PolyPhen-2) suggests that this variant is likely to be disruptive. In summary, the available evidence is currently insufficient to determine the role of this variant in disease. Therefore, it has been classified as a Variant of Uncertain Significance.